The following is an entry in ClinVar:

ClinVar aggregate classification (germline): Pathogenic (1 of 4 stars; one submission).

Conditions:
Hereditary breast ovarian cancer syndrome. Also called: Hereditary breast and ovarian cancer syndrome (HBOC); Hereditary breast and/or ovarian cancer syndrome; Hereditary breast and ovarian cancer syndrome; Breast and ovarian cancer; BRCA1- and BRCA2-Associated Hereditary Breast and Ovarian Cancer; Hereditary breast and ovarian cancer. Identifiers: Orphanet 145, MedGen C0677776, MeSH D061325, MONDO:0003582. Disease mechanism: loss of function.

Submission:

Labcorp Genetics (formerly Invitae), Labcorp
Classification: Pathogenic for Hereditary breast and ovarian cancer syndrome. Last evaluated: 2019-12-24. Review status: criteria provided, single submitter. Criteria: Invitae Variant Classification Sherloc (09022015). Collection method: clinical testing. Allele origin: germline.
Comment: This sequence change inserts a large fragment of DNA, likely a transposable element, in exon 10 of the BRCA1 gene (c.2691_2692insSVA), causing a frameshift at codon 898 (p.Lys898fs). The exact size and sequence of the insertion cannot be determined by the current assay. However, the insertion is expected to result in an absent or disrupted protein product. This variant has not been reported in the literature in individuals with BRCA1-related conditions. Retrotransposon insertions including LINE1 (L1), Alu, and SVA (SINE-VNTR-Alu) have been reported to be disease-causing through disruption of either a coding region or splice site (PMID: 19763152, 20307669, 22406018) and loss-of-function variants in BRCA1 are known to be pathogenic (PMID: 20104584). For these reasons, this variant has been classified as Pathogenic.

Literature cited by the submitters: PubMed 19763152; PubMed 20104584; PubMed 20307669; PubMed 22406018.

NM_007294.4(BRCA1):c.2691_2692insSVAelement

Gene: BRCA1 (BRCA1 DNA repair associated; minus strand). Cytogenetic location: 17q21.31.
Variant type: Insertion.
Coding change: c.2691_2692insSVAelement on transcript NM_007294.4; coding-DNA positions 2691 to 2692, an insertion.
Other names: NM_007294.3:c.2691_2692insSVA.
Identifiers: ClinVar variation 870239 (VCV000870239.1).